The following is an entry in ClinVar:

ClinVar aggregate classification (germline): Benign/Likely benign. Review status: criteria provided, multiple submitters, no conflicts (2 of 4 stars). 7 submissions from 7 submitters: Benign (4); Likely benign (2). 1 of the submissions does not count toward it. Last evaluated 2026-09-01.

Conditions:
Nonsyndromic genetic hearing loss. Also called: Nonsyndromic genetic deafness; Non-syndromic genetic deafness; Nonsyndromic hearing loss and deafness. Identifiers: Orphanet 87884, MedGen C5680182, MONDO:0019497.
Deafness, with smith-magenis syndrome. Identifiers: MedGen C4016803.

Allele frequency attached by ClinVar (database versions not stated): TOPMed 0.00244; ExAC 0.00421; 1000 Genomes Project 30x 0.00125; 1000 Genomes Project 0.00100; gnomAD 0.00599.
gnomAD v4.1: 7,112 of 1,613,862 alleles (0.44%); highest among the groups gnomAD compares: Non-Finnish European, 0.46%; 28 homozygotes.

Submissions (7):

CeGaT Center for Human Genetics Tuebingen
Classification: Likely benign. Last evaluated: 2026-09-01. Review status: criteria provided, single submitter. Criteria: CeGaT Center For Human Genetics Tuebingen Variant Classification Criteria Version 2. Collection method: clinical testing. Allele origin: germline. Affected: yes. Observed: 6 variant alleles.
Comment: MYO15A: BS2

Labcorp Genetics (formerly Invitae), Labcorp
Classification: Benign. Last evaluated: 2026-02-01. Review status: criteria provided, single submitter. Criteria: Invitae Variant Classification Sherloc (09022015). Collection method: clinical testing. Allele origin: germline.

Molecular Genetics, Royal Melbourne Hospital
Classification: Likely benign for Nonsyndromic genetic hearing loss. Last evaluated: 2024-01-05. Review status: criteria provided, single submitter. Criteria: ACMG Guidelines, 2015. Collection method: clinical testing. Allele origin: germline. Inheritance: Autosomal recessive inheritance. Affected: no.
Comment: Based on the classification scheme RMH Modified ACMG/AMP Guidelines v1.6.1, this variant is classified as Likely benign. Following criteria are met: BS1 - BS1: Allele frequency is greater than expected for disorder PP3 - PP3: Computational evidence support a deleterious effect on the gene or gene product (REVEL >=0.644 & <0.932 OR SpliceAI >0.50)

GeneDx
Classification: Benign. Last evaluated: 2019-04-23. Review status: criteria provided, single submitter. Criteria: GeneDx Variant Classification Process June 2021. Collection method: clinical testing. Allele origin: germline. Affected: yes.
Comment: This variant is associated with the following publications: (PMID: 30245029, 11735029, 17546645, 12545186, 23208854, 26308726, 27375115, 30579064)

Eurofins Ntd Llc (ga)
Classification: Benign. Last evaluated: 2016-03-21. Review status: criteria provided, single submitter. Criteria: EGL Classification Definitions 2015. Collection method: clinical testing. Allele origin: germline. Observed: 1 variant allele, 1 heterozygote.

Laboratory for Molecular Medicine, Mass General Brigham Personalized Medicine
Classification: Benign. Last evaluated: 2012-12-19. Review status: criteria provided, single submitter. Criteria: LMM Criteria. Collection method: clinical testing. Allele origin: germline. Observed: 8 variant alleles.
Comment: Thr2205Ile variant in exon 31 of MYO15A: This variant is not expected to have cl inical significance because it has been identified in has been reported in 0.4% (33/8348) of European American chromosomes chromosomes from a broad population b y the NHLBI Exome Sequencing Project (dbSNP r s121908970). It has been reported in the hemizygous state in an individual with Smith-Lemli-Opitz sydnrome (Liburd 2001) and homozygous in one individual with hearing loss who also carries a homozygous nonsense variant in MYO15A (Nal 2007) ; however, these reports are likely due to the frequency of this variant and not a reflection of its role in hearing loss.

OMIM
Classification: Pathogenic for DEAFNESS, WITH SMITH-MAGENIS SYNDROME. Last evaluated: 2001-11-01. Review status: flagged submission. Collection method: literature only. Allele origin: germline. Not counted in ClinVar's aggregate classification.
ClinVar note: Reason: Older and outlier claim with insufficient supporting evidence

Literature cited by the submitters: PubMed 11735029 (cited by Laboratory for Molecular Medicine, Mass General Brigham Personalized Medicine and OMIM); PubMed 17546645 (cited by Laboratory for Molecular Medicine, Mass General Brigham Personalized Medicine).

NM_016239.4(MYO15A):c.6614C>T (p.Thr2205Ile)

Gene: MYO15A (myosin XVA; plus strand). Cytogenetic location: 17p11.2.
Variant type: single nucleotide variant.
Coding change: c.6614C>T on transcript NM_016239.4 (MANE Select); coding-DNA position 6614, C replaced by T.
Protein change: p.Thr2205Ile; replaces threonine 2205 with isoleucine.
Molecular consequence: missense variant.
Genome position (GRCh38, 1-based): chr17:18,148,133, C>T. VCF-style: chr17-18148133-C-T. GRCh37 (hg19) VCF-style: chr17-18051447-C-T.
Other names: short protein forms T2205I.
Identifiers: ClinVar variation 6956 (VCV000006956.62), dbSNP rs121908970, ClinGen allele CA118565.